The following is an entry in ClinVar:

NM_004370.6(COL12A1):c.3785T>C (p.Leu1262Ser)

Gene: COL12A1 (collagen type XII alpha 1 chain; minus strand). Cytogenetic location: 6q13.
Variant type: single nucleotide variant.
Coding change: c.3785T>C on transcript NM_004370.6 (MANE Select); coding-DNA position 3785, T replaced by C.
Protein change: p.Leu1262Ser; replaces leucine 1262 with serine.
Molecular consequence: missense variant.
Genome position (GRCh38, 1-based): chr6:75,152,181, A>G on the plus strand (T>C on the coding strand, the complement: COL12A1 is on the minus strand). VCF-style: chr6-75152181-A-G. GRCh37 (hg19) VCF-style: chr6-75861897-A-G.
Other names: c.293T>C, p.Leu98Ser (NM_080645.3); short protein forms L1262S, L98S.
Identifiers: ClinVar variation 1339245 (VCV001339245.12), dbSNP rs774035582, ClinGen allele CA3893620.

ClinVar aggregate classification (germline): Conflicting classifications of pathogenicity. Review status: criteria provided, conflicting classifications (1 of 4 stars). 3 submissions from 3 submitters: Uncertain significance (2); Likely benign (1). Last evaluated 2022-06-01.

Conditions:
Ullrich congenital muscular dystrophy 2 (UCMD2). Identifiers: Orphanet 75840, MedGen C4225314, MONDO:0014654, OMIM 616470.
Bethlem myopathy 2 (BTHLM2). Identifiers: Orphanet 536516, Orphanet 610, MedGen C4225313, MONDO:0034022, OMIM 616471.

Allele frequency attached by ClinVar (database versions not stated): gnomAD 0.00001; gnomAD exomes 0.00001 and 0.00003; ExAC 0.00004.
gnomAD v4.1: 17 of 1,613,674 alleles (0.0011%); highest among the groups gnomAD compares: South Asian, 0.018%; no homozygotes.

Submissions (3):

Revvity Omics, Revvity
Classification: Uncertain significance. Last evaluated: 2022-06-01. Review status: criteria provided, single submitter. Criteria: ACMG Guidelines, 2015. Collection method: clinical testing. Allele origin: germline.

Labcorp Genetics (formerly Invitae), Labcorp
Classification: Likely benign for Bethlem myopathy 2; Ullrich congenital muscular dystrophy 2. Last evaluated: 2022-03-18. Review status: criteria provided, single submitter. Criteria: Invitae Variant Classification Sherloc (09022015). Collection method: clinical testing. Allele origin: germline.

Neuberg Centre For Genomic Medicine, NCGM
Classification: Uncertain significance for Bethlem myopathy 2. Review status: criteria provided, single submitter. Criteria: ACMG Guidelines, 2015. Collection method: clinical testing. Allele origin: germline. Affected: yes.
Comment: The missense variant p.L1262S in COL12A1 (NM_004370.6) has not been reported previously as a pathogenic variant nor as a benign variant, to our knowledge. There is a large physicochemical difference between leucine and serine, which is likely to impact secondary protein structure as these residues differ in polarity, charge, size and/or other properties. The p.L1262S missense variant is predicted to be damaging by both SIFT and PolyPhen2. The leucine residue at codon 1262 of COL12A1 is conserved in all mammalian species. The nucleotide c.3785 in COL12A1 is predicted conserved by GERP++ and PhyloP across 100 vertebrates. For these reasons, this variant has been classified as Uncertain Significance.